The following is an entry in ClinVar:

ClinVar aggregate classification (germline): Uncertain significance (1 of 4 stars; one submission).

Conditions:
Frontotemporal dementia and/or amyotrophic lateral sclerosis 4. Also called: FTDALS4. Identifiers: Orphanet 275872, MedGen C4225325, MONDO:0014641, OMIM 616439.

Submission:

Labcorp Genetics (formerly Invitae), Labcorp
Classification: Uncertain significance for Frontotemporal dementia and/or amyotrophic lateral sclerosis 4. Last evaluated: 2020-11-15. Review status: criteria provided, single submitter. Criteria: Invitae Variant Classification Sherloc (09022015). Collection method: clinical testing. Allele origin: germline.
Comment: Algorithms developed to predict the effect of sequence changes on RNA splicing suggest that this variant may create or strengthen a splice site, but this prediction has not been confirmed by published transcriptional studies. In summary, the available evidence is currently insufficient to determine the role of this variant in disease. Therefore, it has been classified as a Variant of Uncertain Significance. Advanced modeling of protein sequence and biophysical properties (such as structural, functional, and spatial information, amino acid conservation, physicochemical variation, residue mobility, and thermodynamic stability) performed at Invitae indicates that this missense variant is not expected to disrupt TBK1 protein function. This sequence change replaces isoleucine with serine at codon 37 of the TBK1 protein (p.Ile37Ser). The isoleucine residue is weakly conserved and there is a large physicochemical difference between isoleucine and serine. This variant is not present in population databases (ExAC no frequency). This variant has not been reported in the literature in individuals with TBK1-related conditions.

NM_013254.4(TBK1):c.110T>G (p.Ile37Ser)

Gene: TBK1 (TANK binding kinase 1; plus strand). Cytogenetic location: 12q14.2.
Variant type: single nucleotide variant.
Coding change: c.110T>G on transcript NM_013254.4 (MANE Select); coding-DNA position 110, T replaced by G.
Protein change: p.Ile37Ser; replaces isoleucine 37 with serine.
Molecular consequence: missense variant.
Genome position (GRCh38, 1-based): chr12:64,460,211, T>G. VCF-style: chr12-64460211-T-G. GRCh37 (hg19) VCF-style: chr12-64853991-T-G.
Other names: short protein forms I37S.
Identifiers: ClinVar variation 1500145 (VCV001500145.8), dbSNP rs2136056628, ClinGen allele CA385594310.